The following is an entry in ClinVar:

ClinVar aggregate classification (germline): Uncertain significance. Review status: criteria provided, multiple submitters, no conflicts (2 of 4 stars). 2 submissions from 2 submitters: Uncertain significance (2). Last evaluated 2025-01-10.

Conditions:
Hemolytic uremic syndrome, atypical, susceptibility to, 1. Also called: AHUS, SUSCEPTIBILITY TO, 1. Identifiers: Orphanet 2134, Orphanet 90038, MedGen C2749604, MONDO:0009335, OMIM 235400. Disease mechanism: Other.
Basal laminar drusen. Also called: DRUSEN OF BRUCH MEMBRANE; DRUSEN, CUTICULAR; DRUSEN, EARLY ADULT-ONSET, GROUPED. Identifiers: Orphanet 75376, MedGen C0730295, MONDO:0007472, OMIM 126700.
Factor H deficiency (CFHD). Also called: COMPLEMENT FACTOR H DEFICIENCY; CFH DEFICIENCY. Identifiers: Orphanet 200421, MedGen C0398777, MONDO:0012350, OMIM 609814.
Age related macular degeneration 4. Identifiers: MedGen C1853147, MONDO:0012540, OMIM 610698.

Submissions (2):

GeneDx
Classification: Uncertain significance. Last evaluated: 2025-01-10. Review status: criteria provided, single submitter. Criteria: GeneDx Variant Classification Process June 2021. Collection method: clinical testing. Allele origin: germline. Affected: yes.
Comment: Not observed at significant frequency in large population cohorts (gnomAD); In silico analysis indicates that this missense variant does not alter protein structure/function; Has not been previously published as pathogenic or benign to our knowledge

Fulgent Genetics
Classification: Uncertain significance for Basal laminar drusen; Hemolytic uremic syndrome, atypical, susceptibility to, 1; Factor H deficiency; Age related macular degeneration 4. Last evaluated: 2024-06-17. Review status: criteria provided, single submitter. Criteria: ACMG Guidelines, 2015. Collection method: clinical testing. Allele origin: germline.

NM_000186.4(CFH):c.3459A>C (p.Arg1153Ser)

Gene: CFH (complement factor H; plus strand). Cytogenetic location: 1q31.3.
Variant type: single nucleotide variant.
Coding change: c.3459A>C on transcript NM_000186.4 (MANE Select); coding-DNA position 3459, A replaced by C.
Protein change: p.Arg1153Ser; replaces arginine 1153 with serine.
Molecular consequence: missense variant.
Genome position (GRCh38, 1-based): chr1:196,745,965, A>C. VCF-style: chr1-196745965-A-C. GRCh37 (hg19) VCF-style: chr1-196715095-A-C.
Other names: short protein forms R1153S.
Identifiers: ClinVar variation 3575676 (VCV003575676.2).